The following is an entry in ClinVar:

ClinVar aggregate classification (germline): Pathogenic (1 of 4 stars; one submission).

Conditions:
Neurofibromatosis, type 1 (NF1). Also called: VON RECKLINGHAUSEN DISEASE; Peripheral type neurofibromatosis; NEUROFIBROMATOSIS, TYPE I, SOMATIC; Neurofibromatosis, type I. Identifiers: Orphanet 636, MedGen C0027831, MONDO:0018975, OMIM 162200. Disease mechanism: loss of function.

Submission:

Labcorp Genetics (formerly Invitae), Labcorp
Classification: Pathogenic for Neurofibromatosis, type 1. Last evaluated: 2017-04-14. Review status: criteria provided, single submitter. Criteria: Invitae Variant Classification Sherloc (09022015). Collection method: clinical testing. Allele origin: germline.
Comment: For these reasons, this variant has been classified as Pathogenic. While this particular variant has not been reported in the literature, loss-of-function variants in NF1 are known to be pathogenic (PMID: 10712197, 23913538). This sequence change inserts 60 nucleotides in exon 21 of the NF1 mRNA (c.2726_2727ins60), causing a frameshift at codon 910. This creates a premature translational stop signal (p.Gly910Argfs*9) and is expected to result in an absent or disrupted protein product.

Literature cited by the submitters: PubMed 10712197; PubMed 23913538.

NM_001042492.3(NF1):c.2726_2727insTAGGACTACAAATACGGACCAATGTTAAGGATCTGGTTGGTCTAGAATTGAGTCCTGCTC (p.Val909_Gly910insArgThrThrAsnThrAspGlnCysTer)

Gene: NF1 (neurofibromin 1; plus strand). Cytogenetic location: 17q11.2.
Variant type: Insertion.
Coding change: c.2726_2727insTAGGACTACAAATACGGACCAATGTTAAGGATCTGGTTGGTCTAGAATTGAGTCCTGCTC on transcript NM_001042492.3 (MANE Select); coding-DNA positions 2726 to 2727, TAGGACTACAAATACGGACCAATGTTAAGGATCTGGTTGGTCTAGAATTGAGTCCTGCTC inserted.
Protein change: p.Val909_Gly910insArgThrThrAsnThrAspGlnCysTer.
Molecular consequence: nonsense, inframe insertion.
Genome position: GRCh38: chr17:31,229,341-31,229,342. GRCh37 (hg19): chr17:29,556,359-29,556,360.
Other names: c.2726_2727insTAGGACTACAAATACGGACCAATGTTAAGGATCTGGTTGGTCTAGAATTGAGTCCTGCTC, p.Gly910_Leu1243delinsArgThrThrAsnThrAspGlnCysTer (NM_000267.4).
Identifiers: ClinVar variation 1073313 (VCV001073313.5), dbSNP rs2151429528, ClinGen allele CA2499224062.